The following is an entry in ClinVar:

NM_000051.4(ATM):c.7550del (p.Leu2517fs)

Genes: ATM (ATM serine/threonine kinase; plus strand), C11orf65 (chromosome 11 open reading frame 65; minus strand). Cytogenetic location: 11q22.3.
Variant type: Deletion.
Coding change: c.7550del on transcript NM_000051.4 (MANE Select); coding-DNA position 7550, one base deleted (T; older notation c.7550delT).
Protein change: p.Leu2517fs; shifts the reading frame from leucine 2517.
Molecular consequence: frameshift variant. On other transcripts: non-coding transcript variant (1), intron variant (2).
Genome position (GRCh38, 1-based): chr11:108,331,478, T deleted; the last of 5 consecutive T bases (chr11:108,331,474-108,331,478); deleting any one gives the same sequence. VCF-style (leftmost placement, unchanged base first): chr11-108331473-AT-A. GRCh37 (hg19) VCF-style: chr11-108202200-AT-A.
Other names: c.7550del, p.Leu2517fs (NM_001351834.2); c.641-22403del (NM_001330368.2); c.*38+3746del (NM_001351110.2); short protein forms L2517fs.
Identifiers: ClinVar variation 1389277 (VCV001389277.11), dbSNP rs2136492942, ClinGen allele CA2573131717.

ClinVar aggregate classification (germline): Pathogenic. Review status: criteria provided, multiple submitters, no conflicts (2 of 4 stars). 2 submissions from 2 submitters: Pathogenic (2). Last evaluated 2024-08-11.

Conditions:
Ataxia-telangiectasia syndrome (AT). Also called: Ataxia-telangiectasia; LOUIS-BAR SYNDROME; Ataxia-telangiectasia, complementation group D; AT, COMPLEMENTATION GROUP C; ATAXIA-TELANGIECTASIA, COMPLEMENTATION GROUP A; ATAXIA-TELANGIECTASIA, FRESNO VARIANT. Identifiers: Orphanet 100, MedGen C0004135, MONDO:0008840, OMIM 208900.

Submissions (2):

Labcorp Genetics (formerly Invitae), Labcorp
Classification: Pathogenic for Ataxia-telangiectasia syndrome. Last evaluated: 2024-08-11. Review status: criteria provided, single submitter. Criteria: Invitae Variant Classification Sherloc (09022015). Collection method: clinical testing. Allele origin: germline.
Comment: This sequence change creates a premature translational stop signal (p.Leu2517Cysfs*15) in the ATM gene. It is expected to result in an absent or disrupted protein product. Loss-of-function variants in ATM are known to be pathogenic (PMID: 23807571, 25614872). This variant is not present in population databases (gnomAD no frequency). This variant has not been reported in the literature in individuals affected with ATM-related conditions. ClinVar contains an entry for this variant (Variation ID: 1389277). For these reasons, this variant has been classified as Pathogenic.

Victorian Clinical Genetics Services, Murdoch Childrens Research Institute
Classification: Pathogenic for Ataxia-telangiectasia syndrome. Last evaluated: 2022-02-02. Review status: criteria provided, single submitter. Criteria: ACMG Guidelines, 2015. Collection method: clinical testing. Allele origin: germline.
Comment: Based on the classification scheme VCGS_Germline_v1.3.4, this variant is classified as Pathogenic. Following criteria are met: 0102 - Loss of function is a known mechanism of disease in this gene and is associated with ataxia-telangiectasia (MIM#208900) and susceptibility to breast cancer (MIM#114480). Dominant negative has also been suggested for tumour formation. (PMIDs: 19431188, 27884168) (I) 0106 - This gene is associated with autosomal recessive disease. Carriers of ATM pathogenic variants are at increased risk of developing cancer (PMID: 20301790). (I) 0115 - Variants in this gene are known to have variable expressivity. Variable age of onset and rate of disease progression for ataxia-telangiectasia have been reported for affected individuals within the same family (PMIDs: 20301790, 27884168). (I) 0201 - Variant is predicted to cause nonsense-mediated decay (NMD) and loss of protein (premature termination codon is located at least 54 nucleotides upstream of the final exon-exon junction). (SP) 0252 - This variant is homozygous. (I) 0301 - Variant is absent from gnomAD (both v2 and v3). (SP) 0701 - Other premature termination variants comparable to the one identified in this case have very strong previous evidence for pathogenicity. Many NMD-predicted variants in this gene have been reported as likely pathogenic/pathogenic (ClinVar). (SP) 0807 - This variant has no previous evidence of pathogenicity. (I) 0905 - No published segregation evidence has been identified for this variant. (I) 1007 - No published functional evidence has been identified for this variant. (I) Legend: (SP) - Supporting pathogenic, (I) - Information, (SB) - Supporting benign

Literature cited by the submitters: PubMed 23807571 (cited by Labcorp Genetics (formerly Invitae), Labcorp); PubMed 25614872 (cited by Labcorp Genetics (formerly Invitae), Labcorp); PubMed 19431188 (cited by Victorian Clinical Genetics Services, Murdoch Childrens Research Institute); PubMed 20301790 (cited by Victorian Clinical Genetics Services, Murdoch Childrens Research Institute); PubMed 27884168 (cited by Victorian Clinical Genetics Services, Murdoch Childrens Research Institute).